The following is an entry in ClinVar:

ClinVar aggregate classification (germline): Uncertain significance. Review status: criteria provided, multiple submitters, no conflicts (2 of 4 stars). 2 submissions from 2 submitters: Uncertain significance (2). Last evaluated 2025-04-21.

Conditions:
Hereditary cancer-predisposing syndrome. Also called: Neoplastic Syndromes, Hereditary; Hereditary Cancer Syndrome; Hereditary neoplastic syndrome; Tumor predisposition. Identifiers: Orphanet 140162, MedGen C0027672, MeSH D009386, MONDO:0015356.
Gorlin syndrome. Also called: Basal cell nevus syndrome; Nevoid Basal Cell Carcinoma Syndrome. Identifiers: Orphanet 377, MedGen C0004779, MONDO:0007187.

Allele frequency attached by ClinVar (database versions not stated): TOPMed 0.00001.
gnomAD v4.1: 3 of 1,614,192 alleles (0.00019%); highest among the groups gnomAD compares: Non-Finnish European, 0.00025%; no homozygotes.

Submissions (2):

Ambry Genetics
Classification: Uncertain significance for Hereditary cancer-predisposing syndrome. Last evaluated: 2025-04-21. Review status: criteria provided, single submitter. Criteria: Ambry Variant Classification Scheme 2023. Collection method: clinical testing. Allele origin: germline.
Comment: The p.P742R variant (also known as c.2225C>G), located in coding exon 14 of the PTCH1 gene, results from a C to G substitution at nucleotide position 2225. The proline at codon 742 is replaced by arginine, an amino acid with dissimilar properties. This amino acid position is conserved. In addition, this alteration is predicted to be deleterious by in silico analysis. Since supporting evidence is limited at this time, the clinical significance of this alteration remains unclear.

Labcorp Genetics (formerly Invitae), Labcorp
Classification: Uncertain significance for Gorlin syndrome. Last evaluated: 2024-09-27. Review status: criteria provided, single submitter. Criteria: Invitae Variant Classification Sherloc (09022015). Collection method: clinical testing. Allele origin: germline.
Comment: This sequence change replaces proline, which is neutral and non-polar, with arginine, which is basic and polar, at codon 742 of the PTCH1 protein (p.Pro742Arg). This variant is not present in population databases (gnomAD no frequency). This variant has not been reported in the literature in individuals affected with PTCH1-related conditions. ClinVar contains an entry for this variant (Variation ID: 640181). Invitae Evidence Modeling of protein sequence and biophysical properties (such as structural, functional, and spatial information, amino acid conservation, physicochemical variation, residue mobility, and thermodynamic stability) has been performed for this missense variant. However, the output from this modeling did not meet the statistical confidence thresholds required to predict the impact of this variant on PTCH1 protein function. In summary, the available evidence is currently insufficient to determine the role of this variant in disease. Therefore, it has been classified as a Variant of Uncertain Significance.

NM_000264.5(PTCH1):c.2225C>G (p.Pro742Arg)

Genes: PTCH1 (patched 1; minus strand), LOC100507346 (uncharacterized LOC100507346; plus strand). Cytogenetic location: 9q22.32.
Variant type: single nucleotide variant.
Coding change: c.2225C>G on transcript NM_000264.5 (MANE Select); coding-DNA position 2225, C replaced by G.
Protein change: p.Pro742Arg; replaces proline 742 with arginine.
Molecular consequence: missense variant. On other transcripts: non-coding transcript variant (2).
Genome position (GRCh38, 1-based): chr9:95,468,776, G>C on the plus strand (C>G on the coding strand, the complement: PTCH1 is on the minus strand). VCF-style: chr9-95468776-G-C. GRCh37 (hg19) VCF-style: chr9-98231058-G-C.
Other names: c.2027C>G, p.Pro676Arg (NM_001083602.3); c.2222C>G, p.Pro741Arg (NM_001083603.3); c.1772C>G, p.Pro591Arg (NM_001083604.3, NM_001083605.3, NM_001083606.3 and 1 more transcripts); c.2069C>G, p.Pro690Arg (NM_001354918.2); short protein forms P742R, P591R, P741R, P676R, P690R.
Identifiers: ClinVar variation 640181 (VCV000640181.12), dbSNP rs1185984575, ClinGen allele CA374115251.